The following is an entry in ClinVar:

NM_000391.4(TPP1):c.752T>C (p.Phe251Ser)

Gene: TPP1 (tripeptidyl peptidase 1; minus strand). Cytogenetic location: 11p15.4.
Variant type: single nucleotide variant.
Coding change: c.752T>C on transcript NM_000391.4 (MANE Select); coding-DNA position 752, T replaced by C.
Protein change: p.Phe251Ser; replaces phenylalanine 251 with serine.
Molecular consequence: missense variant.
Genome position (GRCh38, 1-based): chr11:6,616,795, A>G on the plus strand (T>C on the coding strand, the complement: TPP1 is on the minus strand). VCF-style: chr11-6616795-A-G. GRCh37 (hg19) VCF-style: chr11-6638026-A-G.
Other names: short protein forms F251S.
Identifiers: ClinVar variation 1360480 (VCV001360480.7), dbSNP rs2134594463, ClinGen allele CA379475138.

ClinVar aggregate classification (germline): Uncertain significance (1 of 4 stars; one submission).

Submission:

Labcorp Genetics (formerly Invitae), Labcorp
Classification: Uncertain significance. Last evaluated: 2022-06-13. Review status: criteria provided, single submitter. Criteria: Invitae Variant Classification Sherloc (09022015). Collection method: clinical testing. Allele origin: germline.
Comment: In summary, the available evidence is currently insufficient to determine the role of this variant in disease. Therefore, it has been classified as a Variant of Uncertain Significance. Algorithms developed to predict the effect of missense changes on protein structure and function are either unavailable or do not agree on the potential impact of this missense change (SIFT: "Deleterious"; PolyPhen-2: "Possibly Damaging"; Align-GVGD: "Class C0"). This variant has not been reported in the literature in individuals affected with TPP1-related conditions. This variant is not present in population databases (gnomAD no frequency). This sequence change replaces phenylalanine, which is neutral and non-polar, with serine, which is neutral and polar, at codon 251 of the TPP1 protein (p.Phe251Ser).